The following is an entry in ClinVar:

ClinVar aggregate classification (germline): Uncertain significance. Review status: criteria provided, multiple submitters, no conflicts (2 of 4 stars). 2 submissions from 2 submitters: Uncertain significance (2). Last evaluated 2021-09-28.

Conditions:
Inborn genetic diseases. Identifiers: MedGen C0950123, MeSH D030342.

Allele frequency attached by ClinVar (database versions not stated): gnomAD exomes 0.00003 and 0.00004; ExAC 0.00004; gnomAD 0.00004 and 0.00005; TOPMed 0.00006; ESP Exome Variant Server 0.00008; 1000 Genomes Project 0.00020; 1000 Genomes Project 30x 0.00031.

Submissions (2):

Ambry Genetics
Classification: Uncertain significance for Inborn genetic diseases. Last evaluated: 2021-09-28. Review status: criteria provided, single submitter. Criteria: Ambry Variant Classification Scheme 2023. Collection method: clinical testing. Allele origin: germline.

Labcorp Genetics (formerly Invitae), Labcorp
Classification: Uncertain significance. Last evaluated: 2021-08-26. Review status: criteria provided, single submitter. Criteria: Invitae Variant Classification Sherloc (09022015). Collection method: clinical testing. Allele origin: germline.
Comment: This sequence change replaces valine with alanine at codon 684 of the SLC26A3 protein (p.Val684Ala). The valine residue is weakly conserved and there is a small physicochemical difference between valine and alanine. This variant is present in population databases (rs183775228, ExAC 0.009%). This variant has not been reported in the literature in individuals affected with SLC26A3-related conditions. Advanced modeling of protein sequence and biophysical properties (such as structural, functional, and spatial information, amino acid conservation, physicochemical variation, residue mobility, and thermodynamic stability) performed at Invitae indicates that this missense variant is not expected to disrupt SLC26A3 protein function. In summary, the available evidence is currently insufficient to determine the role of this variant in disease. Therefore, it has been classified as a Variant of Uncertain Significance.

NM_000111.3(SLC26A3):c.2051T>C (p.Val684Ala)

Gene: SLC26A3 (solute carrier family 26 member 3; minus strand). Cytogenetic location: 7q22.3.
Variant type: single nucleotide variant.
Coding change: c.2051T>C on transcript NM_000111.3 (MANE Select); coding-DNA position 2051, T replaced by C.
Protein change: p.Val684Ala; replaces valine 684 with alanine.
Molecular consequence: missense variant.
Genome position (GRCh38, 1-based): chr7:107,772,065, A>G on the plus strand (T>C on the coding strand, the complement: SLC26A3 is on the minus strand). VCF-style: chr7-107772065-A-G. GRCh37 (hg19) VCF-style: chr7-107412510-A-G.
Other names: c.2051T>C (NM_000111.2); short protein forms V684A.
Identifiers: ClinVar variation 1470865 (VCV001470865.6), dbSNP rs183775228, ClinGen allele CA4433615.